The following is an entry in ClinVar:

ClinVar aggregate classification (germline): Uncertain significance. Review status: criteria provided, multiple submitters, no conflicts (2 of 4 stars). 6 submissions from 6 submitters: Uncertain significance (6). Last evaluated 2025-10-13.

Conditions:
Hypertrophic cardiomyopathy 1 (CMH1). Also called: Familial hypertrophic cardiomyopathy 1; MYH7-Related Familial Hypertrophic Cardiomyopathy. Identifiers: MedGen C3495498, MONDO:0008647, OMIM 192600.
Dilated cardiomyopathy 1S (CMD1S). Identifiers: Orphanet 154, Orphanet 54260, MedGen C1834481, MONDO:0013262, OMIM 613426.
Cardiomyopathy (CMYO). Also called: Cardiomyopathies. Identifiers: Orphanet 167848, MedGen C0878544, MONDO:0004994, HP:0001638. Inheritance: Various modes of inheritance.
Hypertrophic cardiomyopathy. Also called: HYPERTROPHIC MYOCARDIOPATHY. Identifiers: Orphanet 217569, MedGen C0007194, MeSH D002312, MONDO:0005045, HP:0001639.

Allele frequency attached by ClinVar (database versions not stated): ExAC 0.00002; gnomAD exomes 0.00002.

Submissions (6):

Labcorp Genetics (formerly Invitae), Labcorp
Classification: Uncertain significance for Hypertrophic cardiomyopathy. Last evaluated: 2025-10-13. Review status: criteria provided, single submitter. Criteria: Invitae Variant Classification Sherloc (09022015). Collection method: clinical testing. Allele origin: germline.
Comment: This sequence change replaces glutamic acid, which is acidic and polar, with lysine, which is basic and polar, at codon 1013 of the MYH7 protein (p.Glu1013Lys). The frequency data for this variant in the population databases is considered unreliable, as metrics indicate poor data quality at this position in the gnomAD database. This variant has not been reported in the literature in individuals affected with MYH7-related conditions. ClinVar contains an entry for this variant (Variation ID: 181211). Invitae Evidence Modeling of protein sequence and biophysical properties (such as structural, functional, and spatial information, amino acid conservation, physicochemical variation, residue mobility, and thermodynamic stability) indicates that this missense variant is expected to disrupt MYH7 protein function with a positive predictive value of 95%. In summary, the available evidence is currently insufficient to determine the role of this variant in disease. Therefore, it has been classified as a Variant of Uncertain Significance.

All of Us Research Program, National Institutes of Health
Classification: Uncertain significance for Cardiomyopathy. Last evaluated: 2023-12-01. Review status: criteria provided, single submitter. Criteria: ACMG Guidelines, 2015. Collection method: clinical testing. Allele origin: germline. Inheritance: Autosomal dominant inheritance. Observed: 1 variant allele, 1 heterozygote.
Comment: This study involves interpretation of variants in research participants for the purpose of population health screening. Participant phenotype was not available at the time of variant classification. Additional details can be found in publication PMID: 35346344, PMCID: PMC8962531

New York Genome Center
Classification: Uncertain significance for Dilated cardiomyopathy 1S; Hypertrophic cardiomyopathy 1. Last evaluated: 2022-04-20. Review status: criteria provided, single submitter. Criteria: NYGC Assertion Criteria 2020. Collection method: clinical testing. Allele origin: germline. Observed: 1 heterozygote.
Comment: The c.3037G>A (p.Glu1013Lys) variant identified in the MYH7 gene substitutes a well conserved Glutamic Acid for Lysine at amino acid1013/1936 (exon 24/40). This variant is absent from population databases (gnomADv3.1.2, BRAVO-TOPMed Freeze 8) suggesting it is not a common benign variant in the populations represented in those databases. In silico algorithms predict this variant to be Pathogenic (REVEL; score:0.818) to the function of the canonical transcript. This variant is reported in ClinVar as a Variant of Uncertain Significance (VarID:181211, 3 submissions, no conflicts), and to our current knowledge has not been reported in affected individuals in the literature. Given the lack of compelling evidence for its pathogenicity, the c.3037G>A (p.Glu1013Lys) variant identified in the MYH7 gene is reported as a Variant of Uncertain Significance.

Color Diagnostics, LLC DBA Color Health
Classification: Uncertain significance for Cardiomyopathy. Last evaluated: 2022-02-10. Review status: criteria provided, single submitter. Criteria: ACMG Guidelines, 2015. Collection method: clinical testing. Allele origin: germline.
Comment: This missense variant replaces glutamic acid with lysine at codon 1013 of the MYH7 protein. Computational prediction suggests that this variant may have deleterious impact on protein structure and function (internally defined REVEL score threshold >= 0.7, PMID: 27666373). To our knowledge, functional studies have not been reported for this variant. This variant has not been reported in individuals affected with cardiovascular disorders in the literature. This variant has not been identified in the general population by the Genome Aggregation Database (gnomAD). The available evidence is insufficient to determine the role of this variant in disease conclusively. Therefore, this variant is classified as a Variant of Uncertain Significance.

AiLife Diagnostics
Classification: Uncertain significance. Last evaluated: 2021-10-14. Review status: criteria provided, single submitter. Criteria: ACMG Guidelines, 2015. Collection method: clinical testing. Allele origin: germline. Affected: yes. Observed: 1 variant allele.

GeneDx
Classification: Uncertain significance. Last evaluated: 2020-08-07. Review status: criteria provided, single submitter. Criteria: GeneDx Variant Classification Process June 2021. Collection method: clinical testing. Allele origin: germline. Affected: yes.
Comment: Has not been previously published as pathogenic or benign to our knowledge; Not observed at a significant frequency in large population cohorts (Lek et al., 2016); In silico analysis supports that this missense variant has a deleterious effect on protein structure/function

NM_000257.4(MYH7):c.3037G>A (p.Glu1013Lys)

Gene: MYH7 (myosin heavy chain 7; minus strand). Cytogenetic location: 14q11.2.
Variant type: single nucleotide variant.
Coding change: c.3037G>A on transcript NM_000257.4 (MANE Select); coding-DNA position 3037, G replaced by A.
Protein change: p.Glu1013Lys; replaces glutamic acid 1013 with lysine.
Molecular consequence: missense variant.
Genome position (GRCh38, 1-based): chr14:23,423,609, C>T on the plus strand (G>A on the coding strand, the complement: MYH7 is on the minus strand). VCF-style: chr14-23423609-C-T. GRCh37 (hg19) VCF-style: chr14-23892818-C-T.
Other names: p.E1013K:GAG>AAG; c.3037G>A (LRG_384t1); short protein forms E1013K.
Identifiers: ClinVar variation 181211 (VCV000181211.19), dbSNP rs730880764, ClinGen allele CA013322.
Genomic context (GRCh38, chr14:23,423,609, plus strand): 5'-CATCCACTTGCTGCTCCAGCTTGACTTTGGCCTTAGTCAGGGTGTTGACCTTGTCCTCCT[C>T]GGCCTGAAGGTCATCCAGAGCCTGTTGGTGGGCCTCTTGCAGAGCTTTCTTCTCCTTGGT-3'
Protein context (NP_000248.2, residues 1003-1023): HQQALDDLQA[Glu1013Lys]EDKVNTLTKA